The following is an entry in ClinVar:

ClinVar aggregate classification (germline): Uncertain significance. Review status: criteria provided, multiple submitters, no conflicts (2 of 4 stars). 4 submissions from 4 submitters: Uncertain significance (4). Last evaluated 2024-07-05.

Conditions:
Hermansky-Pudlak syndrome 2 (HPS2). Also called: Platelet defects and oculocutaneous albinism. Identifiers: Orphanet 183678, Orphanet 79430, MedGen C1842362, MONDO:0011997, OMIM 608233.
Inborn genetic diseases. Identifiers: MedGen C0950123, MeSH D030342.

Allele frequency attached by ClinVar (database versions not stated): gnomAD exomes 0.00003 and 0.00007; TOPMed 0.00003; ExAC 0.00008; ESP Exome Variant Server 0.00008; 1000 Genomes Project 0.00020.
gnomAD v4.1: 46 of 1,602,790 alleles (0.0029%); highest among the groups gnomAD compares: South Asian, 0.025%; no homozygotes.

Submissions (4):

Women's Health and Genetics/Laboratory Corporation of America, LabCorp
Classification: Uncertain significance. Last evaluated: 2024-07-05. Review status: criteria provided, single submitter. Criteria: LabCorp Variant Classification Summary - May 2015. Collection method: clinical testing. Allele origin: germline.
Comment: Variant summary: AP3B1 c.1845T>A (p.Asp615Glu) results in a conservative amino acid change in the encoded protein sequence. Four of five in-silico tools predict a benign effect of the variant on protein function. The variant allele was found at a frequency of 6.8e-05 in 250190 control chromosomes. This frequency is not significantly higher than estimated for a pathogenic variant in AP3B1 causing Hermansky-Pudlak Syndrome (6.8e-05 vs 0.0005), allowing no conclusion about variant significance. To our knowledge, no occurrence of c.1845T>A in individuals affected with Hermansky-Pudlak Syndrome and no experimental evidence demonstrating its impact on protein function have been reported. ClinVar contains an entry for this variant (Variation ID: 907513). Based on the evidence outlined above, the variant was classified as uncertain significance.

Labcorp Genetics (formerly Invitae), Labcorp
Classification: Uncertain significance for Hermansky-Pudlak syndrome 2. Last evaluated: 2023-12-31. Review status: criteria provided, single submitter. Criteria: Invitae Variant Classification Sherloc (09022015). Collection method: clinical testing. Allele origin: germline.
Comment: This sequence change replaces aspartic acid, which is acidic and polar, with glutamic acid, which is acidic and polar, at codon 615 of the AP3B1 protein (p.Asp615Glu). This variant is present in population databases (rs138751237, gnomAD 0.03%). This variant has not been reported in the literature in individuals affected with AP3B1-related conditions. ClinVar contains an entry for this variant (Variation ID: 907513). An algorithm developed to predict the effect of missense changes on protein structure and function (PolyPhen-2) suggests that this variant¬†is likely to be tolerated. In summary, the available evidence is currently insufficient to determine the role of this variant in disease. Therefore, it has been classified as a Variant of Uncertain Significance.

Ambry Genetics
Classification: Uncertain significance for Inborn genetic diseases. Last evaluated: 2023-05-31. Review status: criteria provided, single submitter. Criteria: Ambry Variant Classification Scheme 2023. Collection method: clinical testing. Allele origin: germline.

Illumina Laboratory Services, Illumina
Classification: Uncertain significance for Hermansky-Pudlak syndrome 2. Last evaluated: 2018-01-13. Review status: criteria provided, single submitter. Criteria: ICSL Variant Classification Criteria 13 December 2019. Collection method: clinical testing. Allele origin: germline.

NM_003664.5(AP3B1):c.1845T>A (p.Asp615Glu)

Gene: AP3B1 (adaptor related protein complex 3 subunit beta 1; minus strand). Cytogenetic location: 5q14.1.
Variant type: single nucleotide variant.
Coding change: c.1845T>A on transcript NM_003664.5 (MANE Select); coding-DNA position 1845, T replaced by A.
Protein change: p.Asp615Glu; replaces aspartic acid 615 with glutamic acid.
Molecular consequence: missense variant.
Genome position (GRCh38, 1-based): chr5:78,128,153, A>T on the plus strand (T>A on the coding strand, the complement: AP3B1 is on the minus strand). VCF-style: chr5-78128153-A-T. GRCh37 (hg19) VCF-style: chr5-77423977-A-T.
Other names: c.1845T>A (NM_003664.3); c.1698T>A, p.Asp566Glu (NM_001271769.2); short protein forms D615E, D566E.
Identifiers: ClinVar variation 907513 (VCV000907513.10), dbSNP rs138751237, ClinGen allele CA3316936.